The following is an entry in ClinVar:

ClinVar aggregate classification (germline): Likely benign (0 of 4 stars; one submission).

Conditions:
FAT4-related disorder. Also called: FAT4-related condition.

Submission:

PreventionGenetics, part of Exact Sciences
Classification: Likely benign for FAT4-related condition. Last evaluated: 2024-07-21. Review status: no assertion criteria provided. Collection method: clinical testing. Allele origin: germline.
Comment: This variant is classified as likely benign based on ACMG/AMP sequence variant interpretation guidelines (Richards et al. 2015 PMID: 25741868, with internal and published modifications).

NM_001291303.3(FAT4):c.6192T>C (p.Pro2064=)

Gene: FAT4 (FAT atypical cadherin 4; plus strand). Cytogenetic location: 4q28.1.
Variant type: single nucleotide variant.
Coding change: c.6192T>C on transcript NM_001291303.3 (MANE Select); coding-DNA position 6192, T replaced by C.
Protein change: p.Pro2064=; no amino-acid change (proline 2064 retained).
Molecular consequence: synonymous variant.
Genome position (GRCh38, 1-based): chr4:125,415,155, T>C. VCF-style: chr4-125415155-T-C. GRCh37 (hg19) VCF-style: chr4-126336310-T-C.
Other names: c.6192T>C, p.Pro2064= (NM_001291285.3, NM_024582.6).
Identifiers: ClinVar variation 3344410 (VCV003344410.1).